The following is an entry in ClinVar:

NM_000424.4(KRT5):c.555+9C>T

Gene: KRT5 (keratin 5; minus strand). Cytogenetic location: 12q13.13.
Variant type: single nucleotide variant.
Coding change: c.555+9C>T on transcript NM_000424.4 (MANE Select); 9 bases into the intron after coding-DNA position 555, C replaced by T.
Molecular consequence: intron variant.
Genome position (GRCh38, 1-based): chr12:52,519,733, G>A on the plus strand (C>T on the coding strand, the complement: KRT5 is on the minus strand). VCF-style: chr12-52519733-G-A. GRCh37 (hg19) VCF-style: chr12-52913517-G-A.
Identifiers: ClinVar variation 66264 (VCV000066264.17), dbSNP rs638907, ClinGen allele CA216760.
Genomic context (GRCh38, chr12:52,519,733, plus strand): 5'-TCCTTCTTTCTCTCTCTTTGGCATTTATTTCAGACCCACAGTGATTTTTTACAAAAGATC[G>A]TAGCTCACCTTGTCGATGAAGGAGGCAAACTTATTGTTGAGGGTCTTGATCTGCTCGCGC-3'

ClinVar aggregate classification (germline): Benign. Review status: criteria provided, multiple submitters, no conflicts (2 of 4 stars). 6 submissions from 6 submitters: Benign (5). 1 of the submissions does not count toward it. Last evaluated 2026-02-01.

Conditions:
Epidermolysis bullosa simplex. Also called: Epidermolysis bullosa simplex, Weber-Cockayne type (subtype); Epidermolysis bullosa simplex, Dowling-Meara type (subtype); Epidermolysis bullosa simplex with mottled pigmentation (subtype). Identifiers: Orphanet 304, MedGen C0079298, MONDO:0017610.

Allele frequency attached by ClinVar (database versions not stated): 1000 Genomes Project 0.10184; 1000 Genomes Project 30x 0.10369; gnomAD exomes 0.19672 and 0.24349; gnomAD 0.18403 and 0.18223; ESP Exome Variant Server 0.20152; TOPMed 0.17256; ExAC 0.19744.
gnomAD v4.1: 381,618 of 1,611,118 alleles (24%); highest among the groups gnomAD compares: Middle Eastern, 27%; 49,781 homozygotes.

Submissions (6):

Labcorp Genetics (formerly Invitae), Labcorp
Classification: Benign. Last evaluated: 2026-02-01. Review status: criteria provided, single submitter. Criteria: Invitae Variant Classification Sherloc (09022015). Collection method: clinical testing. Allele origin: germline.

Illumina Laboratory Services, Illumina
Classification: Benign for Epidermolysis bullosa simplex. Last evaluated: 2018-01-12. Review status: criteria provided, single submitter. Criteria: ICSL Variant Classification Criteria 13 December 2019. Collection method: clinical testing. Allele origin: germline.
Comment: This variant was observed in the ICSL laboratory as part of a predisposition screen in an ostensibly healthy population. It had not been previously curated by ICSL or reported in the Human Gene Mutation Database (HGMD: prior to June 1st, 2018), and was therefore a candidate for classification through an automated scoring system. Utilizing variant allele frequency, disease prevalence and penetrance estimates, and inheritance mode, an automated score was calculated to assess if this variant is too frequent to cause the disease. Based on the score and internal cut-off values, a variant classified as benign is not then subjected to further curation. The score for this variant resulted in a classification of benign for this disease.

GeneDx
Classification: Benign. Last evaluated: 2015-03-03. Review status: criteria provided, single submitter. Criteria: GeneDx Variant Classification Process June 2021. Collection method: clinical testing. Allele origin: germline. Affected: yes.

Breakthrough Genomics
Classification: Benign. Review status: criteria provided, single submitter. Criteria: ACMG Guidelines, 2015. Collection method: not provided. Allele origin: germline. Inheritance: Autosomal recessive inheritance. Affected: yes.

PreventionGenetics, part of Exact Sciences
Classification: Benign. Review status: criteria provided, single submitter. Criteria: ACMG Guidelines, 2015. Collection method: clinical testing. Allele origin: germline.

Epithelial Biology;  Institute of Medical Biology, Singapore
No classification provided. Review status: no classification provided. Collection method: not provided. Allele origin: not provided. Not counted in ClinVar's aggregate classification.